The following is an entry in ClinVar:

ClinVar aggregate classification (germline): Pathogenic (1 of 4 stars; one submission).

Conditions:
CHARGE syndrome (CHARGE). Also called: Hittner Hirsch Kreh syndrome; CHARGE ASSOCIATION--COLOBOMA, HEART ANOMALY, CHOANAL ATRESIA, RETARDATION, GENITAL AND EAR ANOMALIES; Coloboma, heart anomaly, choanal atresia, retardation, genital and ear anomalies; CHARGE association; Hall-Hittner syndrome. Identifiers: Orphanet 138, MedGen C0265354, MONDO:0008965.

Submission:

Laboratoire de Genetique Biologique, CHU de Poitiers
Classification: Pathogenic for CHD7-related CHARGE syndrome. Last evaluated: 2017-05-11. Review status: criteria provided, single submitter. Criteria: ACMG Guidelines, 2015. Collection method: clinical testing, in vitro. Allele origin: de novo, not applicable. Inheritance: Autosomal dominant inheritance. Affected: yes. Observed: 1 variant allele, 1 heterozygote.

NM_017780.4(CHD7):c.5405-18C>A

Gene: CHD7 (chromodomain helicase DNA binding protein 7; plus strand). Cytogenetic location: 8q12.2.
Variant type: single nucleotide variant.
Coding change: c.5405-18C>A on transcript NM_017780.4 (MANE Select); 18 bases into the intron before coding-DNA position 5405, C replaced by A.
Molecular consequence: intron variant.
Genome position (GRCh38, 1-based): chr8:60,850,475, C>A. VCF-style: chr8-60850475-C-A. GRCh37 (hg19) VCF-style: chr8-61763034-C-A.
Other names: c.1717-11754C>A (NM_001316690.1).
Identifiers: ClinVar variation 428609 (VCV000428609.3), dbSNP rs199981784, ClinGen allele CA645369404.